The following is an entry in ClinVar:

ClinVar aggregate classification (germline): Uncertain significance (1 of 4 stars; one submission).

Conditions:
Familial thoracic aortic aneurysm and aortic dissection (TAAD). Also called: Thoracic aortic aneurysms and dissections. Identifiers: Orphanet 91387, MedGen C4707243, MONDO:0019625.
Hereditary cancer-predisposing syndrome. Also called: Neoplastic Syndromes, Hereditary; Tumor predisposition; Hereditary Cancer Syndrome; Hereditary neoplastic syndrome. Identifiers: Orphanet 140162, MedGen C0027672, MeSH D009386, MONDO:0015356.

Submission:

Ambry Genetics
Classification: Uncertain significance for Hereditary cancer-predisposing syndrome; Familial thoracic aortic aneurysm and aortic dissection. Last evaluated: 2026-04-10. Review status: criteria provided, single submitter. Criteria: Ambry Variant Classification Scheme 2023. Collection method: clinical testing. Allele origin: germline.
Comment: The p.E520K variant (also known as c.1558G>A), located in coding exon 11 of the SMAD4 gene, results from a G to A substitution at nucleotide position 1558. The glutamic acid at codon 520 is replaced by lysine, an amino acid with similar properties. This amino acid position is highly conserved in available vertebrate species. In addition, this alteration is predicted to be deleterious by in silico analysis. Based on the available evidence, the clinical significance of this variant remains unclear.

NM_005359.6(SMAD4):c.1558G>A (p.Glu520Lys)

Gene: SMAD4 (SMAD family member 4; plus strand). Cytogenetic location: 18q21.2.
Variant type: single nucleotide variant.
Coding change: c.1558G>A on transcript NM_005359.6 (MANE Select); coding-DNA position 1558, G replaced by A.
Protein change: p.Glu520Lys; replaces glutamic acid 520 with lysine.
Molecular consequence: missense variant. On other transcripts: non-coding transcript variant (1).
Genome position (GRCh38, 1-based): chr18:51,078,366, G>A. VCF-style: chr18-51078366-G-A. GRCh37 (hg19) VCF-style: chr18-48604736-G-A.
Other names: c.1558G>A, p.Glu520Lys (NM_001407041.1, NM_001407042.1); short protein forms E520K.
Identifiers: ClinVar variation 4864694 (VCV004864694.1).